The following is an entry in ClinVar:

NM_007294.4(BRCA1):c.694G>A (p.Asp232Asn)

Gene: BRCA1 (BRCA1 DNA repair associated; minus strand). Cytogenetic location: 17q21.31.
Variant type: single nucleotide variant.
Coding change: c.694G>A on transcript NM_007294.4 (MANE Select); coding-DNA position 694, G replaced by A.
Protein change: p.Asp232Asn; replaces aspartic acid 232 with asparagine.
Molecular consequence: missense variant. On other transcripts: non-coding transcript variant (1).
Genome position (GRCh38, 1-based): chr17:43,094,837, C>T on the plus strand (G>A on the coding strand, the complement: BRCA1 is on the minus strand). VCF-style: chr17-43094837-C-T. GRCh37 (hg19) VCF-style: chr17-41246854-C-T.
Other names: c.694G>A, p.Asp232Asn (NM_001407971.1, NM_001407973.1, NM_001407974.1 and 54 more transcripts); c.691G>A, p.Asp231Asn (NM_001407972.1, NM_001407984.1, NM_001407985.1 and 38 more transcripts); c.685G>A, p.Asp229Asn (NM_001408408.1, NM_001407646.1, NM_001407647.1); c.616G>A, p.Asp206Asn (NM_001408409.1, NM_001408411.1, NM_001408412.1 and 9 more transcripts); c.553G>A, p.Asp185Asn (NM_001408410.1, NM_001408452.1, NM_001408453.1 and 43 more transcripts); c.613G>A, p.Asp205Asn (NM_001408413.1, NM_001408416.1, NM_001407659.1 and 3 more transcripts); c.571G>A, p.Asp191Asn (NM_001408425.1, NM_001408426.1, NM_001408427.1 and 34 more transcripts); c.568G>A, p.Asp190Asn (NM_001408432.1, NM_001408433.1, NM_001408434.1 and 20 more transcripts); and 14 more; short protein forms D232N, D185N, D143N, D161N, D190N, D191N, D231N, D104N.
Identifiers: ClinVar variation 55672 (VCV000055672.39), dbSNP rs55975699, ClinGen allele CA003819.

ClinVar aggregate classification (germline): Conflicting classifications of pathogenicity. Review status: criteria provided, conflicting classifications (1 of 4 stars). 16 submissions from 16 submitters: Uncertain significance (6); Benign (1); Likely benign (5). 4 of the submissions do not count toward it. Last evaluated 2026-01-26.

Conditions:
BRCA1-related disorder. Also called: BRCA1-related condition.
Breast-ovarian cancer, familial, susceptibility to, 1 (BROVCA1). Also called: BRCA1 Hereditary Breast and Ovarian Cancer; OVARIAN CANCER, SUSCEPTIBILITY TO. Identifiers: Orphanet 145, MedGen C2676676, MONDO:0011450, OMIM 604370. Disease mechanism: loss of function.
Hereditary cancer-predisposing syndrome. Also called: Hereditary Cancer Syndrome; Hereditary neoplastic syndrome; Neoplastic Syndromes, Hereditary; Tumor predisposition. Identifiers: Orphanet 140162, MedGen C0027672, MeSH D009386, MONDO:0015356.
Hereditary breast ovarian cancer syndrome. Also called: BRCA1- and BRCA2-Associated Hereditary Breast and Ovarian Cancer; Hereditary breast and ovarian cancer syndrome; Hereditary breast and ovarian cancer syndrome (HBOC); Breast and ovarian cancer; Hereditary breast and/or ovarian cancer syndrome; Hereditary breast and ovarian cancer. Identifiers: Orphanet 145, MedGen C0677776, MeSH D061325, MONDO:0003582. Disease mechanism: loss of function.

Allele frequency attached by ClinVar (database versions not stated): gnomAD exomes 0.00003 and 0.00001; gnomAD 0.00011; TOPMed 0.00017; ExAC 0.00001.
gnomAD v4.1: 32 of 1,612,896 alleles (0.002%); highest among the groups gnomAD compares: African/African-American, 0.043%; no homozygotes.

Submissions (16):

Labcorp Genetics (formerly Invitae), Labcorp
Classification: Likely benign for Hereditary breast ovarian cancer syndrome. Last evaluated: 2026-01-26. Review status: criteria provided, single submitter. Criteria: Invitae Variant Classification Sherloc (09022015). Collection method: clinical testing. Allele origin: germline.

Women's Health and Genetics/Laboratory Corporation of America, LabCorp
Classification: Likely benign. Last evaluated: 2025-06-11. Review status: criteria provided, single submitter. Criteria: LabCorp Variant Classification Summary - May 2015. Collection method: clinical testing. Allele origin: germline.
Comment: Variant summary: BRCA1 c.694G>A (p.Asp232Asn) results in a conservative amino acid change in the encoded protein sequence. Algorithms developed to predict the effect of missense changes on protein structure and function are either unavailable or do not agree on the potential impact of this missense change. The variant allele was found at a frequency of 2.8e-05 in 247988 control chromosomes, predominantly at a frequency of 0.00045 within the African or African-American subpopulation in the gnomAD database. The available data on variant occurrences in the general population are insufficient to allow any conclusion about variant significance. In addition, this variant was found at a frequency of 0.001954 in African American subpopulation in the Flossies database which consists of approximately 7,000 European American and 3,000 African American women, older than age 70 years who never had cancer. c.694G>A has been reported in the literature in individuals undergoing genetic testing of BRCA1/2 genes in patients from hereditary breast/ovarian cancer families and in African American high-risk breast cancer patients without strong evidence of causality (Judkins_2005, Ricks-Santi_2017). These report(s) do not provide unequivocal conclusions about association of the variant with Hereditary Breast And Ovarian Cancer Syndrome. At least one publication reports experimental evidence evaluating an impact on protein function (Bouwman_2020). These results showed no damaging effect of this variant. The following publications have been ascertained in the context of this evaluation (PMID: 16267036, 15385441, 15235020, 28439188, 32546644). ClinVar contains an entry for this variant (Variation ID: 55672). Based on the evidence outlined above, the variant was classified as likely benign.

GeneDx
Classification: Uncertain significance. Last evaluated: 2023-07-26. Review status: criteria provided, single submitter. Criteria: GeneDx Variant Classification Process June 2021. Collection method: clinical testing. Allele origin: germline. Affected: yes.
Comment: Observed in individuals with breast cancer (Ricks-Santi et al., 2017; McDonald et al., 2022); In silico analysis supports that this missense variant does not alter protein structure/function; Published functional studies demonstrate homology-directed repair as well as cisplatin and olaparib sensitivity similar to wildtype (Bouwman et al., 2020); Also known as 813G>A; This variant is associated with the following publications: (PMID: 15235020, 15385441, 16267036, 27882345, 10923033, 27466509, 25348012, 20215511, 9788437, 9926942, 9582019, 31853058, 32377563, 29884841, 28439188, 31911673, 32546644, 36315513)

Quest Diagnostics Nichols Institute San Juan Capistrano
Classification: Benign. Last evaluated: 2023-05-04. Review status: criteria provided, single submitter. Criteria: Quest Diagnostics criteria. Collection method: clinical testing. Allele origin: unknown.

University of Washington Department of Laboratory Medicine, University of Washington
Classification: Likely benign for Hereditary cancer-predisposing syndrome. Last evaluated: 2023-03-23. Review status: criteria provided, single submitter. Criteria: Dines et al. (Genet Med. 2020). Collection method: curation. Allele origin: germline.
Comment: Missense variant in a coldspot region where missense variants are very unlikely to be pathogenic (PMID:31911673).

BRCA1 coldspot (exon 11 using historical exon numbering). Reclassification based on statistical prior probability

Johns Hopkins Genomics, Johns Hopkins University
Classification: Uncertain significance for Breast-ovarian cancer, familial, susceptibility to, 1. Last evaluated: 2021-11-16. Review status: criteria provided, single submitter. Criteria: ACMG Guidelines, 2015. Collection method: clinical testing. Allele origin: germline.

Sema4
Classification: Uncertain significance for Hereditary cancer-predisposing syndrome. Last evaluated: 2021-09-11. Review status: criteria provided, single submitter. Criteria: Sema4 Curation Guidelines. Collection method: curation. Allele origin: germline.
Comment: The BRCA1 c.694G>A (p.D232N) missense variant has been reported in heterozygosity in at least 1 individual with breast cancer (PMID: 28439188), in a large dataset of 55630 patients who underwent clinical BRCA1 testing (PMID 16267036), and as a somatic variant in 1 individual (PMID 27466509). This variant was observed in 13/24114 chromosomes in the African/African American population according to the Genome Aggregation Database (PMID: PMID: 32461654). This variant has been reported in ClinVar (Variation ID 55672). Functional studies have not been performed, and in silico predictions of the variant's effect on protein function are inconclusive. The overall evidence is insufficient to meet ACMG/AMP criteria for classifying it as benign or pathogenic. In summary, the clinical significance of this variant is currently uncertain.

Mayo Clinic Laboratories, Mayo Clinic
Classification: Uncertain significance. Last evaluated: 2020-03-09. Review status: criteria provided, single submitter. Criteria: ACMG Guidelines, 2015. Collection method: clinical testing. Allele origin: germline. Observed: 1 variant allele.

Ambry Genetics
Classification: Likely benign for Hereditary cancer-predisposing syndrome. Last evaluated: 2020-02-29. Review status: criteria provided, single submitter. Criteria: Ambry Variant Classification Scheme 2023. Collection method: clinical testing. Allele origin: germline.

Baylor Genetics
Classification: Uncertain significance for Breast-ovarian cancer, familial, susceptibility to, 1. Last evaluated: 2019-07-27. Review status: criteria provided, single submitter. Criteria: ACMG Guidelines, 2015. Collection method: clinical testing. Allele origin: maternal. Affected: yes. Study: CSER-TexasKidsCanSeq.
Comment: This variant was determined to be of uncertain significance according to ACMG Guidelines, 2015 [PMID:25741868].

Genetic Services Laboratory, University of Chicago
Classification: Uncertain significance. Last evaluated: 2017-12-18. Review status: criteria provided, single submitter. Criteria: ACMG Guidelines, 2015. Collection method: clinical testing. Allele origin: germline. Affected: no.

Color Diagnostics, LLC DBA Color Health
Classification: Likely benign for Hereditary cancer-predisposing syndrome. Last evaluated: 2016-04-20. Review status: criteria provided, single submitter. Criteria: ACMG Guidelines, 2015. Collection method: clinical testing. Allele origin: germline.

PreventionGenetics, part of Exact Sciences
Classification: Uncertain significance for BRCA1-related condition. Last evaluated: 2024-08-04. Review status: no assertion criteria provided. Collection method: clinical testing. Allele origin: germline. Not counted in ClinVar's aggregate classification.
Comment: The BRCA1 c.694G>A variant is predicted to result in the amino acid substitution p.Asp232Asn. This variant was reported as a variant of uncertain significance in individuals with breast cancer (Table 1, Ricks-Santi et al 2017. PubMed ID: 28439188; Supplementary Table 2, McDonald. 2022. PubMed ID: 36315513). Functional characterization of this variant has shown that it has a neutral effect (Supplementary Table 2, Bouwman et al. 2020. PubMed ID: 32546644). This variant is reported in 0.054% of alleles in individuals of African descent in gnomAD and has conflicting interpretations regarding pathogenicity in ClinVar, ranging from benign to uncertain. Although we suspect that this variant may be benign, at this time, the clinical significance of this variant is uncertain due to the absence of conclusive functional and genetic evidence.

BRCAlab, Lund University
Classification: Uncertain significance for Breast-ovarian cancer, familial, susceptibility to, 1. Last evaluated: 2020-03-02. Review status: no assertion criteria provided. Collection method: clinical testing. Allele origin: germline. Affected: yes. Not counted in ClinVar's aggregate classification.

Pathway Genomics
Classification: Uncertain significance for Breast-ovarian cancer, familial 1. Last evaluated: 2014-11-06. Review status: no assertion criteria provided. Collection method: clinical testing. Allele origin: germline. Not counted in ClinVar's aggregate classification.

Breast Cancer Information Core (BIC) (BRCA1)
Classification: Uncertain significance for Breast-ovarian cancer, familial 1. Last evaluated: 2002-05-29. Review status: no assertion criteria provided. Collection method: clinical testing. Allele origin: germline. Affected: yes. Observed: 3 variant alleles. Not counted in ClinVar's aggregate classification.

Literature cited by the submitters: PubMed 16267036 (cited by 4 submitters); PubMed 15385441 (cited by Women's Health and Genetics/Laboratory Corporation of America, LabCorp); PubMed 15235020 (cited by 3 submitters); PubMed 28439188 (cited by 4 submitters); PubMed 32546644 (cited by Women's Health and Genetics/Laboratory Corporation of America, LabCorp and Quest Diagnostics Nichols Institute San Juan Capistrano); PubMed 27466509 (cited by 3 submitters); PubMed 31911673 (cited by Quest Diagnostics Nichols Institute San Juan Capistrano); PubMed 36315513 (cited by Quest Diagnostics Nichols Institute San Juan Capistrano); PubMed 25348012 (cited by Quest Diagnostics Nichols Institute San Juan Capistrano); PubMed 26295337 (cited by Quest Diagnostics Nichols Institute San Juan Capistrano).